The following is an entry in ClinVar:

ClinVar aggregate classification (germline): Uncertain significance (1 of 4 stars; one submission).

Conditions:
Dilated cardiomyopathy 1W (CMD1W). Identifiers: Orphanet 154, MedGen C1969639, MONDO:0012667, OMIM 611407.

gnomAD v4.1: 7 of 1,613,784 alleles (0.00043%); highest among the groups gnomAD compares: East Asian, 0.013%; no homozygotes.

Submission:

Labcorp Genetics (formerly Invitae), Labcorp
Classification: Uncertain significance for Dilated cardiomyopathy 1W. Last evaluated: 2025-09-20. Review status: criteria provided, single submitter. Criteria: Invitae Variant Classification Sherloc (09022015). Collection method: clinical testing. Allele origin: germline.
Comment: This sequence change replaces glycine, which is neutral and non-polar, with serine, which is neutral and polar, at codon 651 of the VCL protein (p.Gly651Ser). This variant is present in population databases (rs753936921, gnomAD 0.05%). This variant has not been reported in the literature in individuals affected with VCL-related conditions. An algorithm developed to predict the effect of missense changes on protein structure and function (PolyPhen-2) suggests that this variant is likely to be disruptive. Algorithms developed to predict the effect of sequence changes on RNA splicing suggest that this variant may create or strengthen a splice site. In summary, the available evidence is currently insufficient to determine the role of this variant in disease. Therefore, it has been classified as a Variant of Uncertain Significance.

NM_014000.3(VCL):c.1951G>A (p.Gly651Ser)

Gene: VCL (vinculin; plus strand). Cytogenetic location: 10q22.2.
Variant type: single nucleotide variant.
Coding change: c.1951G>A on transcript NM_014000.3 (MANE Select); coding-DNA position 1951, G replaced by A.
Protein change: p.Gly651Ser; replaces glycine 651 with serine.
Molecular consequence: missense variant.
Genome position (GRCh38, 1-based): chr10:74,101,026, G>A. VCF-style: chr10-74101026-G-A. GRCh37 (hg19) VCF-style: chr10-75860784-G-A.
Other names: c.1951G>A, p.Gly651Ser (NM_003373.4); short protein forms G651S.
Identifiers: ClinVar variation 4745232 (VCV004745232.1).